The following is an entry in ClinVar:

NM_032043.3(BRIP1):c.2282G>C (p.Cys761Ser)

Gene: BRIP1 (BRCA1 interacting DNA helicase 1; minus strand). Cytogenetic location: 17q23.2.
Variant type: single nucleotide variant.
Coding change: c.2282G>C on transcript NM_032043.3 (MANE Select); coding-DNA position 2282, G replaced by C.
Protein change: p.Cys761Ser; replaces cysteine 761 with serine.
Molecular consequence: missense variant.
Genome position (GRCh38, 1-based): chr17:61,743,110, C>G on the plus strand (G>C on the coding strand, the complement: BRIP1 is on the minus strand). VCF-style: chr17-61743110-C-G. GRCh37 (hg19) VCF-style: chr17-59820471-C-G.
Other names: short protein forms C761S.
Identifiers: ClinVar variation 631016 (VCV000631016.20), dbSNP rs1567779745, ClinGen allele CA400482719.
Genomic context (GRCh38, chr17:61,743,110, plus strand): 5'-GTTATGACAGCACGGGCATTGTCATCTGAGAAATCCAGACCCTCACTCACTTTACCACGA[C>G]AAACTGCTACCAGGAGAGCTCCATCTTAAACAACAGAAAAAAGCATATCCAAAATTCTCA-3'
Protein context (NP_114432.2, residues 751-771): EKDGALLVAV[Cys761Ser]RGKVSEGLDF

ClinVar aggregate classification (germline): Uncertain significance. Review status: criteria provided, multiple submitters, no conflicts (2 of 4 stars). 4 submissions from 4 submitters: Uncertain significance (4). Last evaluated 2024-01-31.

Conditions:
Hereditary cancer-predisposing syndrome. Also called: Hereditary Cancer Syndrome; Neoplastic Syndromes, Hereditary; Tumor predisposition; Hereditary neoplastic syndrome. Identifiers: Orphanet 140162, MedGen C0027672, MeSH D009386, MONDO:0015356.
Familial cancer of breast. Also called: BREAST CANCER, FAMILIAL; hereditary breast carcinoma; Hereditary breast cancer. Identifiers: Orphanet 227535, MedGen C0346153, MONDO:0016419, OMIM 114480. Disease mechanism: loss of function.
Fanconi anemia complementation group J. Also called: BRIP1-Related Fanconi Anemia. Identifiers: Orphanet 84, MedGen C1836860, MONDO:0012187, OMIM 609054.

Submissions (4):

Labcorp Genetics (formerly Invitae), Labcorp
Classification: Uncertain significance for Familial cancer of breast; Fanconi anemia complementation group J. Last evaluated: 2024-01-31. Review status: criteria provided, single submitter. Criteria: Invitae Variant Classification Sherloc (09022015). Collection method: clinical testing. Allele origin: germline.
Comment: This sequence change replaces cysteine, which is neutral and slightly polar, with serine, which is neutral and polar, at codon 761 of the BRIP1 protein (p.Cys761Ser). This variant is not present in population databases (gnomAD no frequency). This variant has not been reported in the literature in individuals affected with BRIP1-related conditions. ClinVar contains an entry for this variant (Variation ID: 631016). Advanced modeling of protein sequence and biophysical properties (such as structural, functional, and spatial information, amino acid conservation, physicochemical variation, residue mobility, and thermodynamic stability) performed at Invitae indicates that this missense variant is expected to disrupt BRIP1 protein function with a positive predictive value of 80%. In summary, the available evidence is currently insufficient to determine the role of this variant in disease. Therefore, it has been classified as a Variant of Uncertain Significance.

Color Diagnostics, LLC DBA Color Health
Classification: Uncertain significance for Hereditary cancer-predisposing syndrome. Last evaluated: 2023-12-05. Review status: criteria provided, single submitter. Criteria: ACMG Guidelines, 2015. Collection method: clinical testing. Allele origin: germline.
Comment: This missense variant replaces cysteine with serine at codon 761 of the BRIP1 protein. Computational prediction is inconclusive regarding the impact of this variant on protein structure and function (internally defined REVEL score threshold 0.5 < inconclusive < 0.7, PMID: 27666373). To our knowledge, functional studies have not been reported for this variant. This variant has not been reported in individuals affected with BRIP1-related disorders in the literature. This variant has not been identified in the general population by the Genome Aggregation Database (gnomAD). The available evidence is insufficient to determine the role of this variant in disease conclusively. Therefore, this variant is classified as a Variant of Uncertain Significance.

Baylor Genetics
Classification: Uncertain significance for Familial cancer of breast. Last evaluated: 2023-06-09. Review status: criteria provided, single submitter. Criteria: ACMG Guidelines, 2015. Collection method: clinical testing. Allele origin: unknown.

Ambry Genetics
Classification: Uncertain significance for Hereditary cancer-predisposing syndrome. Last evaluated: 2018-03-22. Review status: criteria provided, single submitter. Criteria: Ambry Variant Classification Scheme 2023. Collection method: clinical testing. Allele origin: germline.
Comment: The p.C761S variant (also known as c.2282G>C), located in coding exon 15 of the BRIP1 gene, results from a G to C substitution at nucleotide position 2282. The cysteine at codon 761 is replaced by serine, an amino acid with dissimilar properties. This amino acid position is highly conserved in available vertebrate species. In addition, this alteration is predicted to be deleterious by in silico analysis. Since supporting evidence is limited at this time, the clinical significance of this alteration remains unclear.